The following is an entry in ClinVar:

ClinVar aggregate classification (germline): Uncertain significance. Review status: criteria provided, multiple submitters, no conflicts (2 of 4 stars). 2 submissions from 2 submitters: Uncertain significance (2). Last evaluated 2025-03-12.

gnomAD v4.1: 5 of 1,613,462 alleles (0.00031%); highest among the groups gnomAD compares: Admixed American, 0.0083%; no homozygotes.

Submissions (2):

Women's Health and Genetics/Laboratory Corporation of America, LabCorp
Classification: Uncertain significance. Last evaluated: 2025-03-12. Review status: criteria provided, single submitter. Criteria: LabCorp Variant Classification Summary - May 2015. Collection method: clinical testing. Allele origin: germline.
Comment: Variant summary: LOX c.1030A>T (p.Thr344Ser) results in a conservative amino acid change in the encoded protein sequence. Three of five in-silico tools predict a damaging effect of the variant on protein function. The variant allele was found at a frequency of 1.2e-05 in 251270 control chromosomes. The available data on variant occurrences in the general population are insufficient to allow any conclusion about variant significance. To our knowledge, no occurrence of c.1030A>T in individuals affected with Aortopathy and no experimental evidence demonstrating its impact on protein function have been reported. ClinVar contains an entry for this variant (Variation ID: 1960367). Based on the evidence outlined above, the variant was classified as uncertain significance.

Labcorp Genetics (formerly Invitae), Labcorp
Classification: Uncertain significance. Last evaluated: 2022-06-26. Review status: criteria provided, single submitter. Criteria: Invitae Variant Classification Sherloc (09022015). Collection method: clinical testing. Allele origin: germline.
Comment: This sequence change replaces threonine, which is neutral and polar, with serine, which is neutral and polar, at codon 344 of the LOX protein (p.Thr344Ser). In summary, the available evidence is currently insufficient to determine the role of this variant in disease. Therefore, it has been classified as a Variant of Uncertain Significance. Algorithms developed to predict the effect of missense changes on protein structure and function are either unavailable or do not agree on the potential impact of this missense change (SIFT: "Not Available"; PolyPhen-2: "Benign"; Align-GVGD: "Not Available"). This variant has not been reported in the literature in individuals affected with LOX-related conditions. This variant is present in population databases (rs535032095, gnomAD 0.01%).

NM_002317.7(LOX):c.1030A>T (p.Thr344Ser)

Genes: LOX (lysyl oxidase; minus strand), SRFBP1 (serum response factor binding protein 1; plus strand). Cytogenetic location: 5q23.1.
Variant type: single nucleotide variant.
Coding change: c.1030A>T on transcript NM_002317.7 (MANE Select); coding-DNA position 1030, A replaced by T.
Protein change: p.Thr344Ser; replaces threonine 344 with serine.
Molecular consequence: missense variant.
Genome position (GRCh38, 1-based): chr5:122,074,018, T>A on the plus strand (A>T on the coding strand, the complement: LOX is on the minus strand). VCF-style: chr5-122074018-T-A. GRCh37 (hg19) VCF-style: chr5-121409713-T-A.
Other names: c.340A>T, p.Thr114Ser (NM_001178102.2); c.139A>T, p.Thr47Ser (NM_001317073.1); short protein forms T114S, T344S, T47S.
Identifiers: ClinVar variation 1960367 (VCV001960367.6), dbSNP rs535032095, ClinGen allele CA125948556.